The following is an entry in ClinVar:

ClinVar aggregate classification (germline): Pathogenic/Likely pathogenic. Review status: criteria provided, multiple submitters, no conflicts (2 of 4 stars). 6 submissions from 6 submitters: Pathogenic (2); Likely pathogenic (3). 1 of the submissions does not count toward it. Last evaluated 2025-03-05.

Conditions:
Inborn genetic diseases. Identifiers: MedGen C0950123, MeSH D030342.
Propionic acidemia (PROP). Also called: GLYCINEMIA, KETOTIC; HYPERGLYCINEMIA WITH KETOACIDOSIS AND LEUKOPENIA; KETOTIC HYPERGLYCINEMIA. Identifiers: Orphanet 35, MedGen C0268579, MONDO:0011628, OMIM 606054, HP:0003571.

Allele frequency attached by ClinVar (database versions not stated): gnomAD exomes below 0.00001.
gnomAD v4.1: 4 of 1,611,710 alleles (0.00025%); highest among the groups gnomAD compares: Admixed American, 0.0017%; no homozygotes.

Submissions (6):

Natera, Inc.
Classification: Likely pathogenic for Propionic acidemia. Last evaluated: 2025-03-05. Review status: criteria provided, single submitter. Criteria: Natera Variant Classification Schema (03/2026). Collection method: clinical testing. Allele origin: germline.
Comment: The c.915-1G>C variant in PCCA is a canonical splice acceptor site variant predicted to affect pre-mRNA splicing, which may result in an abnormal transcript and altered protein product. This variant is expected to result in nonsense mediated decay, truncation, or a dysfunctional protein product. This variant is rare in the general population with a frequency below the threshold expected for the associated phenotype(s). Given the available evidence, this variant is classified as Likely Pathogenic.

Labcorp Genetics (formerly Invitae), Labcorp
Classification: Pathogenic for Propionic acidemia. Last evaluated: 2024-06-26. Review status: criteria provided, single submitter. Criteria: Invitae Variant Classification Sherloc (09022015). Collection method: clinical testing. Allele origin: germline.
Comment: This sequence change affects an acceptor splice site in intron 11 of the PCCA gene. It is expected to disrupt RNA splicing. Variants that disrupt the donor or acceptor splice site typically lead to a loss of protein function (PMID: 16199547), and loss-of-function variants in PCCA are known to be pathogenic (PMID: 15464417). This variant is not present in population databases (gnomAD no frequency). Disruption of this splice site has been observed in individual(s) with propionic acidemia (Invitae). In at least one individual the data is consistent with being in trans (on the opposite chromosome) from a pathogenic variant. ClinVar contains an entry for this variant (Variation ID: 552178). Algorithms developed to predict the effect of sequence changes on RNA splicing suggest that this variant may disrupt the consensus splice site. For these reasons, this variant has been classified as Pathogenic.

Baylor Genetics
Classification: Pathogenic for Propionic acidemia. Last evaluated: 2023-07-15. Review status: criteria provided, single submitter. Criteria: ACMG Guidelines, 2015. Collection method: clinical testing. Allele origin: unknown.

Ambry Genetics
Classification: Likely pathogenic for Inborn genetic diseases. Last evaluated: 2022-11-15. Review status: criteria provided, single submitter. Criteria: Ambry Variant Classification Scheme 2023. Collection method: clinical testing. Allele origin: germline.
Comment: The c.915-1G>C intronic variant results from a G to C substitution one nucleotide before coding exon 12 of the PCCA gene. Alterations that disrupt the canonical splice site are expected to cause aberrant splicing, resulting in an abnormal protein or a transcript that is subject to nonsense-mediated mRNA decay. This variant was not reported in population-based cohorts in the Genome Aggregation Database (gnomAD). This amino acid position is highly conserved in available vertebrate species. In silico splice site analysis predicts that this alteration will weaken the native splice acceptor site and may result in the creation or strengthening of a novel splice acceptor site. Based on the available evidence, this alteration is classified as likely pathogenic.

Fulgent Genetics
Classification: Likely pathogenic for Propionic acidemia. Last evaluated: 2022-01-13. Review status: criteria provided, single submitter. Criteria: ACMG Guidelines, 2015. Collection method: clinical testing. Allele origin: unknown.

Counsyl
Classification: Likely pathogenic for Propionic acidemia. Last evaluated: 2017-05-25. Review status: no assertion criteria provided. Collection method: clinical testing. Allele origin: unknown. Not counted in ClinVar's aggregate classification.

Literature cited by the submitters: PubMed 16199547 (cited by Labcorp Genetics (formerly Invitae), Labcorp); PubMed 15464417 (cited by Labcorp Genetics (formerly Invitae), Labcorp).

NM_000282.4(PCCA):c.915-1G>C

Gene: PCCA (propionyl-CoA carboxylase subunit alpha; plus strand). Cytogenetic location: 13q32.3.
Variant type: single nucleotide variant.
Coding change: c.915-1G>C on transcript NM_000282.4 (MANE Select); the canonical splice acceptor site of the intron before coding-DNA position 915, G replaced by C.
Molecular consequence: splice acceptor variant.
Genome position (GRCh38, 1-based): chr13:100,273,195, G>C. VCF-style: chr13-100273195-G-C. GRCh37 (hg19) VCF-style: chr13-100925449-G-C.
Other names: c.915-1G>C (NM_001178004.2, NM_001352605.2, NM_001352606.2 and 1 more transcripts); c.-31-1G>C (NM_001352610.2, NM_001352611.2, NM_001352612.2); c.837-1G>C (NM_001127692.3, NM_001352607.2, NM_001352608.2).
Identifiers: ClinVar variation 552178 (VCV000552178.20), dbSNP rs367615795, ClinGen allele CA388694670.